The following is an entry in ClinVar:

NM_001369.3(DNAH5):c.12295del (p.Leu4099fs)

Gene: DNAH5 (dynein axonemal heavy chain 5; minus strand). Cytogenetic location: 5p15.2.
Variant type: Deletion.
Coding change: c.12295del on transcript NM_001369.3 (MANE Select); coding-DNA position 12295, one base deleted (C; older notation c.12295delC).
Protein change: p.Leu4099fs; shifts the reading frame from leucine 4099.
Molecular consequence: frameshift variant.
Genome position (GRCh38, 1-based): chr5:13,719,086, G deleted on the plus strand (C on the coding strand, the reverse complement: DNAH5 is on the minus strand). VCF-style (leftmost placement, unchanged base first): chr5-13719085-AG-A. GRCh37 (hg19) VCF-style: chr5-13719194-AG-A.
Other names: c.12295del (NM_001369.2); c.12295delC (NM_001369.2); short protein forms L4099fs.
Identifiers: ClinVar variation 817933 (VCV000817933.3), dbSNP rs1285287334, ClinGen allele CA557863268.

ClinVar aggregate classification (germline): Pathogenic. Review status: criteria provided, multiple submitters, no conflicts (2 of 4 stars). 2 submissions from 2 submitters: Pathogenic (2). Last evaluated 2025-05-30.

Conditions:
Primary ciliary dyskinesia 3. Identifiers: Orphanet 244, MedGen C1837618, MONDO:0012085, OMIM 608644.

Allele frequency attached by ClinVar (database versions not stated): gnomAD exomes below 0.00001.

Submissions (2):

GeneDx
Classification: Pathogenic. Last evaluated: 2025-05-30. Review status: criteria provided, single submitter. Criteria: GeneDx Variant Classification Process June 2021. Collection method: clinical testing. Allele origin: germline. Affected: yes.
Comment: Frameshift variant predicted to result in protein truncation or nonsense mediated decay in a gene for which loss of function is a known mechanism of disease; Not observed at significant frequency in large population cohorts (gnomAD); Has not been previously published as pathogenic or benign to our knowledge

Myriad Genetics, Inc.
Classification: Pathogenic for Primary ciliary dyskinesia 3. Last evaluated: 2024-05-08. Review status: criteria provided, single submitter. Criteria: Myriad Autosomal Dominant, Autosomal Recessive and X-Linked Classification Criteria (2023). Collection method: clinical testing. Allele origin: unknown.
Comment: NM_001369.2(DNAH5):c.12295delC(L4099Cfs*14) is expected to be pathogenic in the context of primary ciliary dyskinesia, DNAH5-related. This variant is predicted to lead to an abnormal or absent protein product due to the creation of a premature termination codon in DNAH5, a gene where loss-of-function variants are known to be pathogenic. Please note: this variant was assessed in the context of healthy population screening.